The following is an entry in ClinVar:

NM_002067.5(GNA11):c.1029C>T (p.Ala343=)

Gene: GNA11 (G protein subunit alpha 11; plus strand). Cytogenetic location: 19p13.3.
Variant type: single nucleotide variant.
Coding change: c.1029C>T on transcript NM_002067.5 (MANE Select); coding-DNA position 1029, C replaced by T.
Protein change: p.Ala343=; no amino-acid change (alanine 343 retained).
Molecular consequence: synonymous variant.
Genome position (GRCh38, 1-based): chr19:3,121,128, C>T. VCF-style: chr19-3121128-C-T. GRCh37 (hg19) VCF-style: chr19-3121126-C-T.
Identifiers: ClinVar variation 3234216 (VCV003234216.20), dbSNP rs760222003, ClinGen allele CA9075126.
Genomic context (GRCh38, chr19:3,121,128, plus strand): 5'-CATCTACTCACACTTCACGTGTGCCACCGACACGGAGAACATCCGCTTCGTGTTCGCGGC[C>T]GTGAAGGACACCATCCTGCAGCTCAACCTCAAGGAGTACAACCTGGTCTGAGCGCCCAGG-3'
Protein context (NP_002058.2, residues 333-353): DTENIRFVFA[Ala343=]VKDTILQLNL

ClinVar aggregate classification (germline): Likely benign (1 of 4 stars; one submission).

Allele frequency attached by ClinVar (database versions not stated): TOPMed below 0.00001; gnomAD 0.00001; ExAC 0.00002.
gnomAD v4.1: 15 of 1,613,610 alleles (0.00093%); highest among the groups gnomAD compares: Middle Eastern, 0.016%; no homozygotes.

Submission:

CeGaT Center for Human Genetics Tuebingen
Classification: Likely benign. Last evaluated: 2026-07-01. Review status: criteria provided, single submitter. Criteria: CeGaT Center For Human Genetics Tuebingen Variant Classification Criteria Version 2. Collection method: clinical testing. Allele origin: germline. Affected: yes. Observed: 2 variant alleles.
Comment: GNA11: BP4, BP7